The following is an entry in ClinVar:

ClinVar aggregate classification (germline): Pathogenic/Likely pathogenic. Review status: criteria provided, multiple submitters, no conflicts (2 of 4 stars). 4 submissions from 4 submitters: Pathogenic (1); Likely pathogenic (3). Last evaluated 2026-06-02.

Conditions:
Hereditary cancer-predisposing syndrome. Also called: Tumor predisposition; Neoplastic Syndromes, Hereditary; Hereditary neoplastic syndrome; Hereditary Cancer Syndrome. Identifiers: Orphanet 140162, MedGen C0027672, MeSH D009386, MONDO:0015356.
Fumarase deficiency (FMRD). Also called: Fumarate Hydratase Deficiency; Fumaric aciduria. Identifiers: Orphanet 24, MedGen C0342770, MONDO:0011730, OMIM 606812.

Submissions (5):

Ambry Genetics
Classification: Likely pathogenic for Hereditary cancer-predisposing syndrome. Last evaluated: 2026-06-02. Review status: criteria provided, single submitter. Criteria: Ambry Variant Classification Scheme 2023. Collection method: clinical testing. Allele origin: germline.
Comment: The p.H318L variant (also known as c.953A>T), located in coding exon 7 of the FH gene, results from an A to T substitution at nucleotide position 953. The histidine at codon 318 is replaced by leucine, an amino acid with similar properties. This variant has been identified in the homozygous state and/or in conjunction with other FH variant(s) in individual(s) with features consistent with fumarate hydratase deficiency (Deschauer M et al. Mol Genet Metab, 2006 Jun;88:146-52). Other variant(s) at the same codon, p.H318Y (c.952C>T), have been identified in individual(s) with features consistent with FH-related tumor predisposition (Toro JR et al. Am. J. Hum. Genet., 2003 Jul;73:95-106; Martinez-Mir A et al. J. Invest. Dermatol., 2003 Oct;121:741-4; Pithukpakorn M et al. J. Med. Genet., 2006 Sep;43:755-62; Smit DL et al. Clin. Genet., 2011 Jan;79:49-59; Aissani B et al. Endocr. Relat. Cancer, 2015 Aug;22:633-43; Sommer LL et al. J Dermatol Case Rep, 2016 Nov;10:53-55; Muller M et al. Clin. Genet., 2017 Dec;92:606-615). Of note, this alteration is also known as 824A>T (H275L) in published literature. This amino acid position is highly conserved in available vertebrate species. In addition, this alteration is predicted to be deleterious by in silico analysis. Based on the majority of available evidence to date, this variant is likely to be pathogenic.

Women's Health and Genetics/Laboratory Corporation of America, LabCorp
Classification: Likely pathogenic for Fumarase deficiency. Last evaluated: 2026-02-26. Review status: criteria provided, single submitter. Criteria: LabCorp Variant Classification Summary - May 2015. Collection method: clinical testing. Allele origin: germline.
Comment: Variant summary: FH c.953A>T (p.His318Leu) results in a non-conservative amino acid change in the encoded protein sequence. Algorithms developed to predict the effect of missense changes on protein structure and function all suggest that this variant is likely to be disruptive. The variant allele was found at a frequency of 4e-06 in 251230 control chromosomes. c.953A>T has been observed in individual(s) affected with fumarate hydratase deficiency or multiple uterine leiomyomas (Deschauer_2006, Martnek_2015). These data indicate that the variant may be associated with disease. A different variant affecting the same codon has been classified as pathogenic by our lab (c.952C>T, p.His318Tyr), supporting the critical relevance of codon 318 to FH protein function. To our knowledge, no experimental evidence demonstrating an impact on protein function has been reported. The following publications have been ascertained in the context of this evaluation (PMID: 16510303, 25985877, 33052056). ClinVar contains an entry for this variant (Variation ID: 1067933). Based on the evidence outlined above, the variant was classified as likely pathogenic.

Natera, Inc.
Classification: Likely pathogenic for Fumarase Deficiency. Last evaluated: 2025-09-08. Review status: criteria provided, single submitter. Criteria: Natera Variant Classification Schema (03/2026). Collection method: clinical testing. Allele origin: germline.
Comment: The c.953A>T variant in FH is a missense variant predicted to cause substitution of histidine to leucine at amino acid 318. This variant is rare in the general population with a frequency below the threshold expected for the associated phenotype(s). This variant has been observed in one or more individuals affected with the associated recessive disease, as either homozygous or compound heterozygous with a second variant (PMID: 16510303). A different variant at the same position has been determined to be Pathogenic or Likely Pathogenic. Computational prediction algorithms indicate this variant is likely to affect gene or protein function. Given the available evidence, this variant is classified as Likely Pathogenic.

Labcorp Genetics (formerly Invitae), Labcorp
Classification: Pathogenic. Last evaluated: 2025-03-12. Review status: criteria provided, single submitter. Criteria: Invitae Variant Classification Sherloc (09022015). Collection method: clinical testing. Allele origin: germline.
Comment: This sequence change replaces histidine, which is basic and polar, with leucine, which is neutral and non-polar, at codon 318 of the FH protein (p.His318Leu). This variant is present in population databases (rs755449276, gnomAD 0.003%). This missense change has been observed in individual(s) with fumarate hydratase deficiency and/or uterine leiomyomas (PMID: 16510303, 25985877). In at least one individual the data is consistent with being in trans (on the opposite chromosome) from a pathogenic variant. This variant is also known as H275L. ClinVar contains an entry for this variant (Variation ID: 1067933). Invitae Evidence Modeling of protein sequence and biophysical properties (such as structural, functional, and spatial information, amino acid conservation, physicochemical variation, residue mobility, and thermodynamic stability) indicates that this missense variant is expected to disrupt FH protein function with a positive predictive value of 95%. This variant disrupts the p.His318 amino acid residue in FH. Other variant(s) that disrupt this residue have been determined to be pathogenic (PMID: 12772087, 14632190, 20618355). This suggests that this residue is clinically significant, and that variants that disrupt this residue are likely to be disease-causing. For these reasons, this variant has been classified as Pathogenic.

Blake Wilde Laboratory, Roswell Park Comprehensive Cancer Center
No classification provided (evidence only). Condition: Hereditary leiomyomatosis and renal cell cancer. Review status: no classification provided. Collection method: in vitro. Allele origin: not applicable. Functional consequence: decreased enzyme activity. Not counted in ClinVar's aggregate classification.

Literature cited by the submitters: PubMed 16510303 (cited by 4 submitters); PubMed 25985877 (cited by Women's Health and Genetics/Laboratory Corporation of America, LabCorp and Labcorp Genetics (formerly Invitae), Labcorp); PubMed 33052056 (cited by Women's Health and Genetics/Laboratory Corporation of America, LabCorp); PubMed 12772087 (cited by Labcorp Genetics (formerly Invitae), Labcorp); PubMed 14632190 (cited by Labcorp Genetics (formerly Invitae), Labcorp); PubMed 20618355 (cited by Labcorp Genetics (formerly Invitae), Labcorp).

NM_000143.4(FH):c.953A>T (p.His318Leu)

Gene: FH (fumarate hydratase; minus strand). Cytogenetic location: 1q43.
Variant type: single nucleotide variant.
Coding change: c.953A>T on transcript NM_000143.4 (MANE Select); coding-DNA position 953, A replaced by T.
Protein change: p.His318Leu; replaces histidine 318 with leucine.
Molecular consequence: missense variant.
Genome position (GRCh38, 1-based): chr1:241,504,197, T>A on the plus strand (A>T on the coding strand, the complement: FH is on the minus strand). VCF-style: chr1-241504197-T-A. GRCh37 (hg19) VCF-style: chr1-241667497-T-A.
Other names: short protein forms H318L.
Identifiers: ClinVar variation 1067933 (VCV001067933.14), dbSNP rs755449276, ClinGen allele CA1478568.